The following is an entry in ClinVar:

NM_000069.3(CACNA1S):c.1403A>G (p.Asn468Ser)

Gene: CACNA1S (calcium voltage-gated channel subunit alpha1 S; minus strand). Cytogenetic location: 1q32.1.
Variant type: single nucleotide variant.
Coding change: c.1403A>G on transcript NM_000069.3 (MANE Select); coding-DNA position 1403, A replaced by G.
Protein change: p.Asn468Ser; replaces asparagine 468 with serine.
Molecular consequence: missense variant.
Genome position (GRCh38, 1-based): chr1:201,078,095, T>C on the plus strand (A>G on the coding strand, the complement: CACNA1S is on the minus strand). VCF-style: chr1-201078095-T-C. GRCh37 (hg19) VCF-style: chr1-201047223-T-C.
Other names: short protein forms N468S.
Identifiers: ClinVar variation 2140325 (VCV002140325.4), dbSNP rs781085349, ClinGen allele CA344122874.

ClinVar aggregate classification (germline): Uncertain significance. Review status: criteria provided, multiple submitters, no conflicts (2 of 4 stars). 2 submissions from 2 submitters: Uncertain significance (2). Last evaluated 2025-02-03.

Conditions:
Hypokalemic periodic paralysis, type 1. Also called: HypoPP; Hypokalemic Periodic Paralysis Type 1 (AD). Identifiers: Orphanet 681, MedGen C3714580, MONDO:0042979, OMIM 170400.
Malignant hyperthermia, susceptibility to, 5 (MHS5). Also called: CACNA1S-Related Malignant Hyperthermia Susceptibility. Identifiers: Orphanet 423, MedGen C1866077, MONDO:0011163, OMIM 601887.

gnomAD v4.1: 3 of 1,613,848 alleles (0.00019%); highest among the groups gnomAD compares: East Asian, 0.0022%; no homozygotes.

Submissions (2):

Labcorp Genetics (formerly Invitae), Labcorp
Classification: Uncertain significance for Hypokalemic periodic paralysis, type 1; Malignant hyperthermia, susceptibility to, 5. Last evaluated: 2025-02-03. Review status: criteria provided, single submitter. Criteria: Invitae Variant Classification Sherloc (09022015). Collection method: clinical testing. Allele origin: germline.
Comment: This sequence change replaces asparagine, which is neutral and polar, with serine, which is neutral and polar, at codon 468 of the CACNA1S protein (p.Asn468Ser). This variant is present in population databases (no rsID available, gnomAD 0.007%). This variant has not been reported in the literature in individuals affected with CACNA1S-related conditions. ClinVar contains an entry for this variant (Variation ID: 2140325). Invitae Evidence Modeling of protein sequence and biophysical properties (such as structural, functional, and spatial information, amino acid conservation, physicochemical variation, residue mobility, and thermodynamic stability) has been performed for this missense variant. However, the output from this modeling did not meet the statistical confidence thresholds required to predict the impact of this variant on CACNA1S protein function. In summary, the available evidence is currently insufficient to determine the role of this variant in disease. Therefore, it has been classified as a Variant of Uncertain Significance.

All of Us Research Program, National Institutes of Health
Classification: Uncertain significance for Malignant hyperthermia, susceptibility to, 5. Last evaluated: 2024-05-17. Review status: criteria provided, single submitter. Criteria: ACMG Guidelines, 2015. Collection method: clinical testing. Allele origin: germline. Inheritance: Autosomal dominant inheritance. Observed: 3 variant alleles, 3 heterozygotes.
Comment: This missense variant replaces asparagine with serine at codon 468 of the CACNA1S protein. Computational prediction suggests that this variant may have deleterious impact on protein structure and function (internally defined REVEL score threshold >= 0.7, PMID: 27666373). To our knowledge, functional studies have not been reported for this variant. This variant has not been reported in individuals affected with autosomal dominant malignant hyperthermia in the literature, although it has been reported in other phenotype(s) (PMID: 28325641). This variant has been identified in 1/31384 chromosomes in the general population by the Genome Aggregation Database (gnomAD). Due to insufficient evidence, this variant is classified as a Variant of Uncertain Significance for autosomal dominant malignant hyperthermia.

This study involves interpretation of variants in research participants for the purpose of population health screening. Participant phenotype was not available at the time of variant classification. Additional details can be found in publication PMID: 35346344, PMCID: PMC8962531

Literature cited by the submitters: PubMed 28325641 (cited by All of Us Research Program, National Institutes of Health).